The following is an entry in ClinVar:

NM_000238.4(KCNH2):c.211G>T (p.Gly71Trp)

Gene: KCNH2 (potassium voltage-gated channel subfamily H member 2; minus strand). Cytogenetic location: 7q36.1.
Variant type: single nucleotide variant.
Coding change: c.211G>T on transcript NM_000238.4 (MANE Select); coding-DNA position 211, G replaced by T.
Protein change: p.Gly71Trp; replaces glycine 71 with tryptophan.
Molecular consequence: missense variant.
Genome position (GRCh38, 1-based): chr7:150,974,807, C>A on the plus strand (G>T on the coding strand, the complement: KCNH2 is on the minus strand). VCF-style: chr7-150974807-C-A. GRCh37 (hg19) VCF-style: chr7-150671895-C-A.
Other names: c.34G>T, p.Gly12Trp (NM_001406755.1); c.211G>T, p.Gly71Trp (NM_172056.3); short protein forms G71W, G12W.
Identifiers: ClinVar variation 853484 (VCV000853484.10), dbSNP rs199473420, ClinGen allele CA369865595.

ClinVar aggregate classification (germline): Pathogenic (1 of 4 stars; one submission).

Conditions:
Long QT syndrome (LQTS). Identifiers: MedGen C0023976, MeSH D008133, MONDO:0002442. Disease mechanism: loss of function. Inheritance: Various modes of inheritance.

Submission:

Labcorp Genetics (formerly Invitae), Labcorp
Classification: Pathogenic for Long QT syndrome. Last evaluated: 2025-05-04. Review status: criteria provided, single submitter. Criteria: Invitae Variant Classification Sherloc (09022015). Collection method: clinical testing. Allele origin: germline.
Comment: This sequence change replaces glycine, which is neutral and non-polar, with tryptophan, which is neutral and slightly polar, at codon 71 of the KCNH2 protein (p.Gly71Trp). This variant is not present in population databases (gnomAD no frequency). This missense change has been observed in individuals with long QT syndrome (PMID: 26496715, 29497013; internal data). ClinVar contains an entry for this variant (Variation ID: 853484). An algorithm developed to predict the effect of missense changes on protein structure and function (PolyPhen-2) suggests that this variant is likely to be disruptive. Experimental studies have shown that this missense change affects KCNH2 function (PMID: 35688148). This variant disrupts the p.Gly71 amino acid residue in KCNH2. Other variant(s) that disrupt this residue have been determined to be pathogenic (PMID: 23631430, 35688148; internal data). This suggests that this residue is clinically significant, and that variants that disrupt this residue are likely to be disease-causing. For these reasons, this variant has been classified as Pathogenic.

Literature cited by the submitters: PubMed 26496715; PubMed 29497013; PubMed 35688148; PubMed 23631430.